The following is an entry in ClinVar:

ClinVar aggregate classification (germline): Likely benign. Review status: criteria provided, multiple submitters, no conflicts (2 of 4 stars). 3 submissions from 3 submitters: Likely benign (3). Last evaluated 2026-01-27.

Conditions:
C1QTNF5-related disorder. Also called: C1QTNF5-related condition.

Allele frequency attached by ClinVar (database versions not stated): ExAC 0.00007.
gnomAD v4.1: 41 of 1,543,190 alleles (0.0027%); highest among the groups gnomAD compares: Non-Finnish European, 0.0035%; no homozygotes.

Submissions (3):

Labcorp Genetics (formerly Invitae), Labcorp
Classification: Likely benign. Last evaluated: 2026-01-27. Review status: criteria provided, single submitter. Criteria: Invitae Variant Classification Sherloc (09022015). Collection method: clinical testing. Allele origin: germline.

PreventionGenetics, part of Exact Sciences
Classification: Likely benign for C1QTNF5-related condition. Last evaluated: 2025-05-22. Review status: criteria provided, single submitter. Criteria: ACMG Guidelines, 2015. Collection method: clinical testing. Allele origin: germline.
Comment: This variant is classified as likely benign based on ACMG/AMP sequence variant interpretation guidelines (Richards et al. 2015 PMID: 25741868, with internal and published modifications).

Blueprint Genetics
Classification: Likely benign. Last evaluated: 2024-02-28. Review status: criteria provided, single submitter. Criteria: ACMG Guidelines, 2015. Collection method: clinical testing. Allele origin: germline.

NM_001278431.2(C1QTNF5):c.66C>T (p.Asn22=)

Genes: C1QTNF5 (C1q and TNF related 5; minus strand), MFRP (membrane frizzled-related protein; minus strand). Cytogenetic location: 11q23.3.
Variant type: single nucleotide variant.
Coding change: c.66C>T on transcript NM_001278431.2 (MANE Select); coding-DNA position 66, C replaced by T.
Protein change: p.Asn22=; no amino-acid change (asparagine 22 retained).
Molecular consequence: synonymous variant. On other transcripts: 3 prime UTR variant (1).
Genome position (GRCh38, 1-based): chr11:119,340,332, G>A on the plus strand (C>T on the coding strand, the complement: C1QTNF5 is on the minus strand). VCF-style: chr11-119340332-G-A. GRCh37 (hg19) VCF-style: chr11-119211042-G-A.
Other names: c.66C>T (NM_001278431.1); c.66C>T, p.Asn22= (NM_015645.5); c.*962C>T (NM_031433.4).
Identifiers: ClinVar variation 1090693 (VCV001090693.11), dbSNP rs761587369, ClinGen allele CA6320005.